The following is an entry in ClinVar:

NM_001366385.1(CARD14):c.1851+175G>A

Gene: CARD14 (caspase recruitment domain family member 14; plus strand). Cytogenetic location: 17q25.3.
Variant type: single nucleotide variant.
Coding change: c.1851+175G>A on transcript NM_001366385.1 (MANE Select); 175 bases into the intron after coding-DNA position 1851, G replaced by A.
Molecular consequence: intron variant. On other transcripts: 3 prime UTR variant (1).
Genome position (GRCh38, 1-based): chr17:80,198,766, G>A. VCF-style: chr17-80198766-G-A. GRCh37 (hg19) VCF-style: chr17-78172565-G-A.
Other names: c.*10G>A (NM_052819.3); c.1851+175G>A (NM_024110.4, NM_001257970.1).
Identifiers: ClinVar variation 3036726 (VCV003036726.2), dbSNP rs758393918, ClinGen allele CA8817078.

ClinVar aggregate classification (germline): Likely benign (0 of 4 stars; one submission).

Conditions:
CARD14-related disorder. Also called: CARD14-related condition.

Allele frequency attached by ClinVar (database versions not stated): ExAC 0.00001; gnomAD exomes 0.00002; gnomAD 0.00003; TOPMed 0.00003.
gnomAD v4.1: 33 of 1,516,600 alleles (0.0022%); highest among the groups gnomAD compares: Middle Eastern, 0.018%; no homozygotes.

Submission:

PreventionGenetics, part of Exact Sciences
Classification: Likely benign for CARD14-related condition. Last evaluated: 2022-08-22. Review status: no assertion criteria provided. Collection method: clinical testing. Allele origin: germline.
Comment: This variant is classified as likely benign based on ACMG/AMP sequence variant interpretation guidelines (Richards et al. 2015 PMID: 25741868, with internal and published modifications).